The following is an entry in ClinVar:

NM_006734.4(HIVEP2):c.887G>C (p.Ser296Thr)

Gene: HIVEP2 (HIVEP zinc finger 2; minus strand). Cytogenetic location: 6q24.2.
Variant type: single nucleotide variant.
Coding change: c.887G>C on transcript NM_006734.4 (MANE Select); coding-DNA position 887, G replaced by C.
Protein change: p.Ser296Thr; replaces serine 296 with threonine.
Molecular consequence: missense variant.
Genome position (GRCh38, 1-based): chr6:142,773,852, C>G on the plus strand (G>C on the coding strand, the complement: HIVEP2 is on the minus strand). VCF-style: chr6-142773852-C-G. GRCh37 (hg19) VCF-style: chr6-143094989-C-G.
Other names: short protein forms S296T.
Identifiers: ClinVar variation 3106067 (VCV003106067.2), dbSNP rs1363378812, ClinGen allele CA365915041.
Genomic context (GRCh38, chr6:142,773,852, plus strand): 5'-TCCAATGACCCATGATAGCCGCCTCTGCTGGCAATGTCCAGTGGGATGGGTGGACCAGGA[C>G]TCATTTTGTCAGAAGCCTCGGCAAATAAAGAACTCTCCTCATCTGTGTCTGTACTCTGTT-3'
Protein context (NP_006725.3, residues 286-306): SLFAEASDKM[Ser296Thr]PGPPIPLDIA

ClinVar aggregate classification (germline): Uncertain significance. Review status: criteria provided, multiple submitters, no conflicts (2 of 4 stars). 2 submissions from 2 submitters: Uncertain significance (2). Last evaluated 2025-09-07.

Conditions:
Inborn genetic diseases. Identifiers: MedGen C0950123, MeSH D030342.

Submissions (2):

Labcorp Genetics (formerly Invitae), Labcorp
Classification: Uncertain significance. Last evaluated: 2025-09-07. Review status: criteria provided, single submitter. Criteria: Invitae Variant Classification Sherloc (09022015). Collection method: clinical testing. Allele origin: germline.
Comment: This sequence change replaces serine, which is neutral and polar, with threonine, which is neutral and polar, at codon 296 of the HIVEP2 protein (p.Ser296Thr). This variant is not present in population databases (gnomAD no frequency). This variant has not been reported in the literature in individuals affected with HIVEP2-related conditions. ClinVar contains an entry for this variant (Variation ID: 3106067). Invitae Evidence Modeling of protein sequence and biophysical properties (such as structural, functional, and spatial information, amino acid conservation, physicochemical variation, residue mobility, and thermodynamic stability) indicates that this missense variant is expected to disrupt HIVEP2 protein function with a positive predictive value of 80%. In summary, the available evidence is currently insufficient to determine the role of this variant in disease. Therefore, it has been classified as a Variant of Uncertain Significance.

Ambry Genetics
Classification: Uncertain significance for Inborn genetic diseases. Last evaluated: 2023-10-13. Review status: criteria provided, single submitter. Criteria: Ambry Variant Classification Scheme 2023. Collection method: clinical testing. Allele origin: germline.